The following is an entry in ClinVar:

ClinVar aggregate classification (germline): Pathogenic/Likely pathogenic. Review status: criteria provided, multiple submitters, no conflicts (2 of 4 stars). 6 submissions from 6 submitters: Pathogenic (3); Likely pathogenic (3). Last evaluated 2026-01-19.

Conditions:
Bartter disease type 2. Also called: Bartter syndrome, type 2, antenatal; HYPOKALEMIC ALKALOSIS WITH HYPERCALCIURIA 2, ANTENATAL; HYPERPROSTAGLANDIN E SYNDROME 2. Identifiers: Orphanet 112, Orphanet 620220, MedGen C1855849, MONDO:0009424, OMIM 241200.

Allele frequency attached by ClinVar (database versions not stated): gnomAD 0.00005 and 0.00006; gnomAD exomes 0.00005 and 0.00006; TOPMed 0.00005; ExAC 0.00008.

Submissions (6):

Labcorp Genetics (formerly Invitae), Labcorp
Classification: Pathogenic. Last evaluated: 2026-01-19. Review status: criteria provided, single submitter. Criteria: Invitae Variant Classification Sherloc (09022015). Collection method: clinical testing. Allele origin: germline.
Comment: This sequence change creates a premature translational stop signal (p.Arg212*) in the KCNJ1 gene. While this is not anticipated to result in nonsense mediated decay, it is expected to disrupt the last 180 amino acid(s) of the KCNJ1 protein. This variant is present in population databases (rs201707868, gnomAD 0.01%). This premature translational stop signal has been observed in individuals with Bartter syndrome (PMID: 19096086, 33058840). ClinVar contains an entry for this variant (Variation ID: 303573). This variant disrupts a region of the KCNJ1 protein in which other variant(s) (p.His354Serfs*8) have been determined to be pathogenic (PMID: 11318951, 19096086). This suggests that this is a clinically significant region of the protein, and that variants that disrupt it are likely to be disease-causing. For these reasons, this variant has been classified as Pathogenic.

Dasa
Classification: Likely pathogenic. Last evaluated: 2025-12-03. Review status: criteria provided, single submitter. Criteria: DASA Assertion Criteria. Collection method: clinical testing. Allele origin: germline.
Comment: NM_153766.3(KCNJ1):c.577C>T (p.Arg193*) is a nonsense variant in KCNJ1 predicted to introduce a premature termination codon and is predicted to result in an absent or altered protein product. Loss of function is an established disease mechanism for KCNJ1-associated disorders. This variant has been recurrently observed in individuals with KCNJ1-related disorders (PMID: 9585600; PMID: 19096086). Also, this variant is rare in population databases. Based on the currently available evidence, this variant is classified as likely pathogenic.

GeneDx
Classification: Likely pathogenic. Last evaluated: 2024-12-23. Review status: criteria provided, single submitter. Criteria: GeneDx Variant Classification Process June 2021. Collection method: clinical testing. Allele origin: germline. Affected: yes.
Comment: Nonsense variant predicted to result in protein truncation, as the last 180 amino acid(s) are lost, and other loss-of-function variants have been reported downstream in HGMD; Not observed at significant frequency in large population cohorts (gnomAD); This variant is associated with the following publications: (PMID: 19096086, 33058840)

Fulgent Genetics
Classification: Pathogenic for Bartter disease type 2. Last evaluated: 2023-12-21. Review status: criteria provided, single submitter. Criteria: ACMG Guidelines, 2015. Collection method: clinical testing. Allele origin: germline.

Johns Hopkins Genomics, Johns Hopkins University
Classification: Likely pathogenic for Bartter disease type 2. Last evaluated: 2020-09-09. Review status: criteria provided, single submitter. Criteria: ACMG Guidelines, 2015. Collection method: clinical testing. Allele origin: germline.
Comment: This nonsense variant results in a premature stop codon, likely leading to nonsense-mediated decay and lack of protein production. KCNJ1 c.634C>T has been reported in the compound heterozygous state in an individual presenting with neonatal Bartter syndrome. This variant (rs201707868) is rare (<0.1%) in a large population dataset (gnomAD: 16/280028 total alleles; 0.006%; no homozygotes) and has been reported in ClinVar. We consider this variant to be likely pathogenic.

Foundation for Research in Genetics and Endocrinology, FRIGE's Institute of Human Genetics
Classification: Pathogenic for Bartter disease type 2. Last evaluated: 2019-10-03. Review status: criteria provided, single submitter. Criteria: ACMG Guidelines, 2015. Collection method: clinical testing. Allele origin: germline. Inheritance: Autosomal recessive inheritance. Affected: yes. Observed: 1 homozygote.
Comment: A homozygous nonsense variation in exon 2 of the KCNJ1 gene that results in a stop codon and premature truncation of protein at codon 212. The p.Arg212Ter variant has not been reported in the 1000 genomes database and has a minor allele frequency of 0.008% in the ExAC database. The in silico prediction of the variant is damaging by MutationTaster2. The reference codon is conserved across species. In summary, the Arg212Ter variant meets our criteria to be classified as pathogenic.

Literature cited by the submitters: PubMed 19096086 (cited by 3 submitters); PubMed 33058840 (cited by Labcorp Genetics (formerly Invitae), Labcorp); PubMed 11318951 (cited by Labcorp Genetics (formerly Invitae), Labcorp); PubMed 9585600 (cited by Dasa).

NM_153766.3(KCNJ1):c.577C>T (p.Arg193Ter)

Gene: KCNJ1 (potassium inwardly rectifying channel subfamily J member 1; minus strand). Cytogenetic location: 11q24.3.
Variant type: single nucleotide variant.
Coding change: c.577C>T on transcript NM_153766.3 (MANE Select); coding-DNA position 577, C replaced by T.
Protein change: p.Arg193Ter; replaces arginine 193 with a stop codon.
Molecular consequence: nonsense.
Genome position (GRCh38, 1-based): chr11:128,839,667, G>A on the plus strand (C>T on the coding strand, the complement: KCNJ1 is on the minus strand). VCF-style: chr11-128839667-G-A. GRCh37 (hg19) VCF-style: chr11-128709562-G-A.
Other names: c.634C>T, p.Arg212Ter (NM_000220.6); c.577C>T, p.Arg193Ter (NM_153764.3, NM_153767.4); c.628C>T, p.Arg210Ter (NM_153765.3); short protein forms R193*, R212*, R210*.
Identifiers: ClinVar variation 303573 (VCV000303573.17), dbSNP rs201707868, ClinGen allele CA6357493.